The following is an entry in ClinVar:

ClinVar aggregate classification (germline): Conflicting classifications of pathogenicity. Review status: criteria provided, conflicting classifications (1 of 4 stars). 4 submissions from 4 submitters: Uncertain significance (3); Likely benign (1). Last evaluated 2024-10-24.

Allele frequency attached by ClinVar (database versions not stated): ESP Exome Variant Server 0.00023; ExAC 0.00026; gnomAD 0.00032; TOPMed 0.00038.
gnomAD v4.1: 935 of 1,614,064 alleles (0.058%); highest among the groups gnomAD compares: Non-Finnish European, 0.072%; 2 homozygotes.

Submissions (4):

Blueprint Genetics
Classification: Uncertain significance. Last evaluated: 2024-10-24. Review status: criteria provided, single submitter. Criteria: ACMG Guidelines, 2015. Collection method: clinical testing. Allele origin: germline.

CeGaT Center for Human Genetics Tuebingen
Classification: Likely benign. Last evaluated: 2023-05-01. Review status: criteria provided, single submitter. Criteria: CeGaT Center For Human Genetics Tuebingen Variant Classification Criteria Version 2. Collection method: clinical testing. Allele origin: germline. Affected: yes. Observed: 1 variant allele.
Comment: TMEM132E: BP4

Ambry Genetics
Classification: Uncertain significance. Last evaluated: 2022-04-07. Review status: criteria provided, single submitter. Criteria: Ambry Variant Classification Scheme 2023. Collection method: clinical testing. Allele origin: germline.

Labcorp Genetics (formerly Invitae), Labcorp
Classification: Uncertain significance. Last evaluated: 2022-03-09. Review status: criteria provided, single submitter. Criteria: Invitae Variant Classification Sherloc (09022015). Collection method: clinical testing. Allele origin: germline.
Comment: This sequence change replaces arginine, which is basic and polar, with histidine, which is basic and polar, at codon 547 of the TMEM132E protein (p.Arg547His). This variant is present in population databases (rs145662083, gnomAD 0.05%). This variant has not been reported in the literature in individuals affected with TMEM132E-related conditions. Algorithms developed to predict the effect of missense changes on protein structure and function are either unavailable or do not agree on the potential impact of this missense change (SIFT: "Tolerated"; PolyPhen-2: "Not Available"; Align-GVGD: "Class C0"). In summary, the available evidence is currently insufficient to determine the role of this variant in disease. Therefore, it has been classified as a Variant of Uncertain Significance.

NM_001304438.2(TMEM132E):c.1640G>A (p.Arg547His)

Gene: TMEM132E (transmembrane protein 132E; plus strand). Cytogenetic location: 17q12.
Variant type: single nucleotide variant.
Coding change: c.1640G>A on transcript NM_001304438.2 (MANE Select); coding-DNA position 1640, G replaced by A.
Protein change: p.Arg547His; replaces arginine 547 with histidine.
Molecular consequence: missense variant.
Genome position (GRCh38, 1-based): chr17:34,632,861, G>A. VCF-style: chr17-34632861-G-A. GRCh37 (hg19) VCF-style: chr17-32959880-G-A.
Other names: NM_207313.1:c.1370G>A; short protein forms R547H.
Identifiers: ClinVar variation 2041950 (VCV002041950.30), dbSNP rs145662083, ClinGen allele CA8496755.
Genomic context (GRCh38, chr17:34,632,861, plus strand): 5'-CCCTGGAAATGACAGTCTGGGTCCCCAAGCTGCCCTTGCACATTGAGCTCTCAGATGCCC[G>A]CCTCAGCCAAGTGAAGGGCTGGAGGGTACCTATCCTCCCCGACCGGAGGTACAGCCCCTC-3'
Protein context (NP_001291367.1, residues 537-557): LPLHIELSDA[Arg547His]LSQVKGWRVP